The following is an entry in ClinVar:

NM_006031.6(PCNT):c.3615G>A (p.Ala1205=)

Gene: PCNT (pericentrin; plus strand). Cytogenetic location: 21q22.3.
Variant type: single nucleotide variant.
Coding change: c.3615G>A on transcript NM_006031.6 (MANE Select); coding-DNA position 3615, G replaced by A.
Protein change: p.Ala1205=; no amino-acid change (alanine 1205 retained).
Molecular consequence: synonymous variant.
Genome position (GRCh38, 1-based): chr21:46,389,206, G>A. VCF-style: chr21-46389206-G-A. GRCh37 (hg19) VCF-style: chr21-47809121-G-A.
Other names: c.3261G>A, p.Ala1087= (NM_001315529.2).
Identifiers: ClinVar variation 159592 (VCV000159592.24), dbSNP rs61735806, ClinGen allele CA172998.

ClinVar aggregate classification (germline): Benign. Review status: criteria provided, multiple submitters, no conflicts (2 of 4 stars). 5 submissions from 5 submitters: Benign (5). Last evaluated 2026-02-02.

Conditions:
Microcephalic osteodysplastic primordial dwarfism type II (MOPD2). Also called: Microcephalic osteodysplastic primordial dwarfism with tooth abnormalities; MOPD II; OSTEODYSPLASTIC PRIMORDIAL DWARFISM, TYPE II. Identifiers: Orphanet 2637, MedGen C0432246, MONDO:0008872, OMIM 210720.

Allele frequency attached by ClinVar (database versions not stated): ExAC 0.00237; gnomAD 0.00771 and 0.00816; TOPMed 0.00772; ESP Exome Variant Server 0.00815; 1000 Genomes Project 0.01258; 1000 Genomes Project 30x 0.01280.
gnomAD v4.1: 2,299 of 1,613,980 alleles (0.14%); highest among the groups gnomAD compares: African/African-American, 2.7%; 32 homozygotes.

Submissions (5):

Labcorp Genetics (formerly Invitae), Labcorp
Classification: Benign. Last evaluated: 2026-02-02. Review status: criteria provided, single submitter. Criteria: Invitae Variant Classification Sherloc (09022015). Collection method: clinical testing. Allele origin: germline.

ARUP Laboratories, Molecular Genetics and Genomics, ARUP Laboratories
Classification: Benign for Microcephalic osteodysplastic primordial dwarfism type II. Last evaluated: 2023-02-10. Review status: criteria provided, single submitter. Criteria: ARUP Molecular Germline Variant Investigation Process 2024. Collection method: clinical testing. Allele origin: germline.

Illumina Laboratory Services, Illumina
Classification: Benign for Microcephalic osteodysplastic primordial dwarfism type II. Last evaluated: 2018-01-13. Review status: criteria provided, single submitter. Criteria: ICSL Variant Classification Criteria 13 December 2019. Collection method: clinical testing. Allele origin: germline.
Comment: This variant was observed in the ICSL laboratory as part of a predisposition screen in an ostensibly healthy population. It had not been previously curated by ICSL or reported in the Human Gene Mutation Database (HGMD: prior to June 1st, 2018), and was therefore a candidate for classification through an automated scoring system. Utilizing variant allele frequency, disease prevalence and penetrance estimates, and inheritance mode, an automated score was calculated to assess if this variant is too frequent to cause the disease. Based on the score and internal cut-off values, a variant classified as benign is not then subjected to further curation. The score for this variant resulted in a classification of benign for this disease.

GeneDx
Classification: Benign. Last evaluated: 2016-05-06. Review status: criteria provided, single submitter. Criteria: GeneDx Variant Classification (06012015). Collection method: clinical testing. Allele origin: germline. Affected: yes.
Comment: This variant is considered likely benign or benign based on one or more of the following criteria: it is a conservative change, it occurs at a poorly conserved position in the protein, it is predicted to be benign by multiple in silico algorithms, and/or has population frequency not consistent with disease.

Genetic Services Laboratory, University of Chicago
Classification: Benign. Last evaluated: 2013-02-08. Review status: criteria provided, single submitter. Criteria: ACMG Guidelines, 2007. Collection method: clinical testing. Allele origin: germline. Inheritance: Autosomal recessive inheritance.